The following is an entry in ClinVar:

NM_000179.3(MSH6):c.4043A>C (p.Glu1348Ala)

Gene: MSH6 (mutS homolog 6; plus strand). Cytogenetic location: 2p16.3.
Variant type: single nucleotide variant.
Coding change: c.4043A>C on transcript NM_000179.3 (MANE Select); coding-DNA position 4043, A replaced by C.
Protein change: p.Glu1348Ala; replaces glutamic acid 1348 with alanine.
Molecular consequence: missense variant.
Genome position (GRCh38, 1-based): chr2:47,806,820, A>C. VCF-style: chr2-47806820-A-C. GRCh37 (hg19) VCF-style: chr2-48033959-A-C.
Other names: c.3653A>C, p.Glu1218Ala (NM_001281492.2); c.3137A>C, p.Glu1046Ala (NM_001281493.2, NM_001281494.2); short protein forms E1348A, E1218A, E1046A.
Identifiers: ClinVar variation 525857 (VCV000525857.17), dbSNP rs1449733937, ClinGen allele CA346761700.

ClinVar aggregate classification (germline): Uncertain significance. Review status: criteria provided, multiple submitters, no conflicts (2 of 4 stars). 5 submissions from 5 submitters: Uncertain significance (4). 1 of the submissions does not count toward it. Last evaluated 2025-07-17.

Conditions:
Hereditary cancer-predisposing syndrome. Also called: Neoplastic Syndromes, Hereditary; Tumor predisposition; Hereditary Cancer Syndrome; Hereditary neoplastic syndrome. Identifiers: Orphanet 140162, MedGen C0027672, MeSH D009386, MONDO:0015356.
Endometrial carcinoma. Also called: Endometrial carcinoma, somatic. Identifiers: MedGen C0476089, MONDO:0002447, OMIM 608089, HP:0012114.
Mismatch repair cancer syndrome 1 (MMRCS1). Also called: BRAIN TUMOR-POLYPOSIS SYNDROME 1; BTP1 SYNDROME; CHILDHOOD CANCER SYNDROME; MISMATCH REPAIR DEFICIENCY; MMR DEFICIENCY. Identifiers: Orphanet 252202, MedGen C5399763, MONDO:0010159, OMIM 276300. Disease mechanism: loss of function.
Lynch syndrome 5 (LYNCH5). Also called: Colorectal cancer, hereditary nonpolyposis, type 5; Hereditary non-polyposis colorectal cancer, type 5. Identifiers: Orphanet 144, MedGen C1833477, MONDO:0013710, OMIM 614350. Disease mechanism: loss of function.
Hereditary nonpolyposis colorectal neoplasms. Identifiers: MedGen C0009405, MeSH D003123.
Lynch syndrome. Identifiers: Orphanet 144, MedGen C4552100, MONDO:0005835. Disease mechanism: loss of function.

Allele frequency attached by ClinVar (database versions not stated): gnomAD 0.00001; TOPMed 0.00001.
gnomAD v4.1: 1 of 1,612,054 alleles (0.000062%); highest among the groups gnomAD compares: Non-Finnish European, 0.000085%; no homozygotes.

Submissions (5):

Labcorp Genetics (formerly Invitae), Labcorp
Classification: Uncertain significance for Hereditary nonpolyposis colorectal neoplasms. Last evaluated: 2025-07-17. Review status: criteria provided, single submitter. Criteria: Invitae Variant Classification Sherloc (09022015). Collection method: clinical testing. Allele origin: germline.
Comment: This sequence change replaces glutamic acid, which is acidic and polar, with alanine, which is neutral and non-polar, at codon 1348 of the MSH6 protein (p.Glu1348Ala). This variant is not present in population databases (gnomAD no frequency). This variant has not been reported in the literature in individuals affected with MSH6-related conditions. ClinVar contains an entry for this variant (Variation ID: 525857). Invitae Evidence Modeling of protein sequence and biophysical properties (such as structural, functional, and spatial information, amino acid conservation, physicochemical variation, residue mobility, and thermodynamic stability) indicates that this missense variant is not expected to disrupt MSH6 protein function with a negative predictive value of 95%. In summary, the available evidence is currently insufficient to determine the role of this variant in disease. Therefore, it has been classified as a Variant of Uncertain Significance.

Ambry Genetics
Classification: Uncertain significance for Hereditary cancer-predisposing syndrome. Last evaluated: 2024-12-02. Review status: criteria provided, single submitter. Criteria: Ambry Variant Classification Scheme 2023. Collection method: clinical testing. Allele origin: germline.
Comment: The p.E1348A variant (also known as c.4043A>C), located in coding exon 10 of the MSH6 gene, results from an A to C substitution at nucleotide position 4043. The glutamic acid at codon 1348 is replaced by alanine, an amino acid with dissimilar properties. This variant was also observed in 1/3251 individuals who met eligibility criteria for hereditary breast and ovarian cancer syndrome. This amino acid position is not well conserved in available vertebrate species. In addition, the in silico prediction for this alteration is inconclusive. Based on the available evidence, the clinical significance of this variant remains unclear.

GeneDx
Classification: Uncertain significance. Last evaluated: 2020-09-09. Review status: criteria provided, single submitter. Criteria: GeneDx Variant Classification Process June 2021. Collection method: clinical testing. Allele origin: germline. Affected: yes.
Comment: Not observed in large population cohorts (Lek 2016); In silico analysis supports that this missense variant does not alter protein structure/function; Has not been previously published as pathogenic or benign to our knowledge

Fulgent Genetics
Classification: Uncertain significance for Mismatch repair cancer syndrome 1; Endometrial carcinoma; Lynch syndrome 5. Last evaluated: 2018-10-31. Review status: criteria provided, single submitter. Criteria: ACMG Guidelines, 2015. Collection method: clinical testing. Allele origin: unknown.

Department of Pathology and Laboratory Medicine, Sinai Health System
Classification: Uncertain significance for Lynch syndrome. Review status: no assertion criteria provided. Collection method: clinical testing. Allele origin: unknown. Affected: yes. Study: The Canadian Open Genetics Repository (COGR). Not counted in ClinVar's aggregate classification.
Comment: The MSH6 p.Glu1348Ala variant was not identified in the literature nor was it identified in the dbSNP, ClinVar, GeneInsight-COGR, COSMIC, MutDB, UMD-LSDB, Zhejiang Colon Cancer Database, Mismatch Repair Genes Variant Database, or Insight Hereditary Tumors databases. The variant was not identified in the following control databases: the 1000 Genomes Project, the NHLBI GO Exome Sequencing Project, the Exome Aggregation Consortium (August 8th 2016), or the Genome Aggregation Database (Feb 27, 2017). The p.Glu1348Ala residue is not conserved in mammals and computational analyses (PolyPhen-2, SIFT, AlignGVGD, BLOSUM, MutationTaster) provide inconsistent predictions regarding the impact to the protein; this information is not very predictive of pathogenicity. The variant occurs outside of the splicing consensus sequence and in silico or computational prediction software programs (SpliceSiteFinder, MaxEntScan, NNSPLICE, GeneSplicer, HumanSpliceFinder) do not predict a difference in splicing. In summary, based on the above information the clinical significance of this variant cannot be determined with certainty at this time. This variant is classified as a variant of uncertain significance.

Literature cited by the submitters: PubMed 32885271 (cited by Ambry Genetics).